The following is an entry in ClinVar:

ClinVar aggregate classification (germline): Conflicting classifications of pathogenicity. Review status: criteria provided, conflicting classifications (1 of 4 stars). 6 submissions from 6 submitters: Uncertain significance (4); Likely benign (2). Last evaluated 2025-12-08.

Conditions:
FBN2-related disorder. Also called: FBN2-related condition.
Macular degeneration, early-onset (EOMD). Identifiers: MedGen C4015286, MONDO:0014501, OMIM 616118.
Familial thoracic aortic aneurysm and aortic dissection (TAAD). Also called: Thoracic aortic aneurysms and dissections. Identifiers: Orphanet 91387, MedGen C4707243, MONDO:0019625.
Congenital contractural arachnodactyly (CCA). Also called: BEALS SYNDROME; Beals-Hecht syndrome; Arthrogryposis, distal, type 9. Identifiers: Orphanet 115, MedGen C0220668, MONDO:0007363, OMIM 121050.

Allele frequency attached by ClinVar (database versions not stated): gnomAD 0.00002 and 0.00003; TOPMed 0.00002; ExAC 0.00003; gnomAD exomes 0.00003.
gnomAD v4.1: 63 of 1,613,908 alleles (0.0039%); highest among the groups gnomAD compares: Non-Finnish European, 0.0048%; no homozygotes.

Submissions (6):

Labcorp Genetics (formerly Invitae), Labcorp
Classification: Likely benign for Congenital contractural arachnodactyly. Last evaluated: 2025-12-08. Review status: criteria provided, single submitter. Criteria: Invitae Variant Classification Sherloc (09022015). Collection method: clinical testing. Allele origin: germline.

PreventionGenetics, part of Exact Sciences
Classification: Uncertain significance for FBN2-related condition. Last evaluated: 2025-08-25. Review status: criteria provided, single submitter. Criteria: ACMG Guidelines, 2015. Collection method: clinical testing. Allele origin: germline.
Comment: The FBN2 c.3709C>T variant is predicted to result in the amino acid substitution p.Arg1237Cys. To our knowledge, this variant has not been reported in the literature. This variant is reported in 0.0056% of alleles in individuals of Latino descent in gnomAD. At this time, the clinical significance of this variant is uncertain due to the absence of conclusive functional and genetic evidence.

Ambry Genetics
Classification: Uncertain significance for Familial thoracic aortic aneurysm and aortic dissection. Last evaluated: 2024-12-18. Review status: criteria provided, single submitter. Criteria: Ambry Variant Classification Scheme 2023. Collection method: clinical testing. Allele origin: germline.
Comment: The p.R1237C variant (also known as c.3709C>T), located in coding exon 28 of the FBN2 gene, results from a C to T substitution at nucleotide position 3709. The arginine at codon 1237 is replaced by cysteine, an amino acid with highly dissimilar properties, and is located in the cbEGF-like #15 domain. In one study, 13 of 14 reported FBN2 mutations were found in the middle region of the gene (exons 24-36), and 7 of these mutations were noted to alter or produce a cysteine residue (Callewaert BL et al. Hum Mutat. 2009;30(3):334-341). This amino acid position is highly conserved in available vertebrate species. In addition, this alteration is predicted to be deleterious by in silico analysis. Since supporting evidence is limited at this time, the clinical significance of this alteration remains unclear.

CeGaT Center for Human Genetics Tuebingen
Classification: Uncertain significance. Last evaluated: 2024-03-01. Review status: criteria provided, single submitter. Criteria: CeGaT Center For Human Genetics Tuebingen Variant Classification Criteria Version 2. Collection method: clinical testing. Allele origin: germline. Affected: yes. Observed: 2 variant alleles.

Blueprint Genetics
Classification: Likely benign. Last evaluated: 2023-04-04. Review status: criteria provided, single submitter. Criteria: ACMG Guidelines, 2015. Collection method: clinical testing. Allele origin: germline.

Centre for Mendelian Genomics, University Medical Centre Ljubljana
Classification: Uncertain significance for Macular degeneration, early-onset. Last evaluated: 2019-02-28. Review status: criteria provided, single submitter. Criteria: ACMG Guidelines, 2015. Collection method: clinical testing. Allele origin: unknown. Affected: yes.
Comment: This variant was classified as: Uncertain significance. The available evidence on this variant's pathogenicity is insufficient or conflicting. The following ACMG criteria were applied in classifying this variant: PP3.

NM_001999.4(FBN2):c.3709C>T (p.Arg1237Cys)

Gene: FBN2 (fibrillin 2; minus strand). Cytogenetic location: 5q23.3.
Variant type: single nucleotide variant.
Coding change: c.3709C>T on transcript NM_001999.4 (MANE Select); coding-DNA position 3709, C replaced by T.
Protein change: p.Arg1237Cys; replaces arginine 1237 with cysteine.
Molecular consequence: missense variant.
Genome position (GRCh38, 1-based): chr5:128,336,003, G>A on the plus strand (C>T on the coding strand, the complement: FBN2 is on the minus strand). VCF-style: chr5-128336003-G-A. GRCh37 (hg19) VCF-style: chr5-127671695-G-A.
Other names: short protein forms R1237C.
Identifiers: ClinVar variation 213318 (VCV000213318.56), dbSNP rs746570981, ClinGen allele CA319912.
Genomic context (GRCh38, chr5:128,336,003, plus strand): 5'-TGATTTGAGACATATGAGTTTCAGGCCTGCTTGGTCTCCCCTTACCTGTACAGCCCTGGC[G>A]GTCTGGCGTAGCCTGATATCCAGGATTGCAAGAGCACTGATAGGTTCCAATCATGTTCAC-3'
Protein context (NP_001990.2, residues 1227-1247): CNPGYQATPD[Arg1237Cys]QGCTDIDECM